The following is an entry in ClinVar:

NM_182961.4(SYNE1):c.2097+3_2097+15del

Gene: SYNE1 (spectrin repeat containing nuclear envelope protein 1; minus strand). Cytogenetic location: 6q25.2.
Variant type: Deletion.
Coding change: c.2097+3_2097+15del on transcript NM_182961.4 (MANE Select); bases 3 to 15 of the intron after coding-DNA position 2097, 13 bases deleted (ATGTCTTTCAAGT).
Molecular consequence: splice donor variant.
Genome position (GRCh38, 1-based): chr6:152,463,338-152,463,350, ACTTGAAAGACAT deleted on the plus strand (ATGTCTTTCAAGT on the coding strand, the reverse complement: SYNE1 is on the minus strand); deleting any 13 consecutive bases within chr6:152,463,338-152,463,355 gives the same sequence; the c. name uses the placement nearest the transcript's 3' end. VCF-style (leftmost placement, unchanged base first): chr6-152463337-GACTTGAAAGACAT-G. GRCh37 (hg19) VCF-style: chr6-152784472-GACTTGAAAGACAT-G.
Other names: c.2118+3_2118+15del (NM_033071.5).
Identifiers: ClinVar variation 666607 (VCV000666607.4), dbSNP rs1593220945, ClinGen allele CA915944509.

ClinVar aggregate classification (germline): Uncertain significance (1 of 4 stars; one submission).

Submission:

Laboratory for Molecular Medicine, Mass General Brigham Personalized Medicine
Classification: Uncertain significance. Last evaluated: 2018-07-13. Review status: criteria provided, single submitter. Criteria: LMM Criteria. Collection method: clinical testing. Allele origin: germline. Inheritance: Autosomal recessive inheritance. Observed: 1 variant allele.
Comment: Variant classified as Uncertain Significance - Favor Pathogenic. The c.2097+3_20 97+15del variant in SYNE1 has not been previously reported in individuals with s pinocerebellar ataxia and was absent from large population studies. This variant is located in the 5' splice region. Computational tools suggest a strong impact to splicing; however, this information is not predictive enough to determine pa thogenicity. Furthermore, one of two SYNE1 transcripts expressed in the cerebell um does not include exons 19 and 20. As a result, the impact of this variant on SYNE1 function remains unclear. In summary, while there is some suspicion for a pathogenic role, the clinical significance of the c.2097+3_2097+15del variant is uncertain. ACMG/AMP criteria applied: PM2, PVS1_Moderate.